The following is an entry in ClinVar:

NM_000548.5(TSC2):c.4249C>A (p.Arg1417=)

Gene: TSC2 (TSC complex subunit 2; plus strand). Cytogenetic location: 16p13.3.
Variant type: single nucleotide variant.
Coding change: c.4249C>A on transcript NM_000548.5 (MANE Select); coding-DNA position 4249, C replaced by A.
Protein change: p.Arg1417=; no amino-acid change (arginine 1417 retained).
Molecular consequence: synonymous variant.
Genome position (GRCh38, 1-based): chr16:2,084,471, C>A. VCF-style: chr16-2084471-C-A. GRCh37 (hg19) VCF-style: chr16-2134472-C-A.
Other names: c.4048C>A, p.Arg1350= (NM_001077183.3); c.4180C>A, p.Arg1394= (NM_001114382.3); c.3940C>A, p.Arg1314= (NM_001318827.2); c.3904C>A, p.Arg1302= (NM_001318829.2); c.3517C>A, p.Arg1173= (NM_001318831.2); c.4081C>A, p.Arg1361= (NM_001318832.2); c.4051C>A, p.Arg1351= (NM_001363528.2); c.4117C>A, p.Arg1373= (NM_001370404.1); and 2 more.
Identifiers: ClinVar variation 1614347 (VCV001614347.9), dbSNP rs774338461, ClinGen allele CA493043304.
Genomic context (GRCh38, chr16:2,084,471, plus strand): 5'-ATCCTCGGGGACCCTGGGGACAAGGCCGACGTGGGCCGGCTGAGCCCTGAGGTTAAGGCC[C>A]GGTCACAGTCAGGGACCCTGGACGGGGAAAGTGCTGCCTGGTCGGCCTCGGGCGAAGACA-3'
Protein context (NP_000539.2, residues 1407-1427): VGRLSPEVKA[Arg1417=]SQSGTLDGES

ClinVar aggregate classification (germline): Conflicting classifications of pathogenicity. Review status: criteria provided, conflicting classifications (1 of 4 stars). 2 submissions from 2 submitters: Uncertain significance (1); Likely benign (1). Last evaluated 2025-12-16.

Conditions:
Hereditary cancer-predisposing syndrome. Also called: Tumor predisposition; Hereditary Cancer Syndrome; Hereditary neoplastic syndrome; Neoplastic Syndromes, Hereditary. Identifiers: Orphanet 140162, MedGen C0027672, MeSH D009386, MONDO:0015356.
Tuberous sclerosis 2 (TSC2). Identifiers: Orphanet 805, MedGen C1860707, MONDO:0013199, OMIM 613254.

Submissions (2):

Ambry Genetics
Classification: Uncertain significance for Hereditary cancer-predisposing syndrome. Last evaluated: 2025-12-16. Review status: criteria provided, single submitter. Criteria: Ambry Variant Classification Scheme 2023. Collection method: clinical testing. Allele origin: germline.
Comment: The c.4249C>A variant (also known as p.R1417R), located in coding exon 33 of the TSC2 gene, results from a C to A substitution at nucleotide position 4249. This nucleotide substitution does not change the amino acid at codon 1417. This nucleotide position is well conserved in available vertebrate species. In silico splice site analysis predicts that this alteration may result in the creation or strengthening of a novel splice donor site. Based on the available evidence, the clinical significance of this variant remains unclear.

Labcorp Genetics (formerly Invitae), Labcorp
Classification: Likely benign for Tuberous sclerosis 2. Last evaluated: 2021-10-31. Review status: criteria provided, single submitter. Criteria: Invitae Variant Classification Sherloc (09022015). Collection method: clinical testing. Allele origin: germline.